The following is an entry in ClinVar:

NM_004329.3(BMPR1A):c.1075dup (p.Ala359fs)

Gene: BMPR1A (bone morphogenetic protein receptor type 1A; plus strand). Cytogenetic location: 10q23.2.
Variant type: Duplication.
Coding change: c.1075dup on transcript NM_004329.3 (MANE Select); coding-DNA position 1075, one base duplicated (G; older notation c.1075dupG).
Protein change: p.Ala359fs; shifts the reading frame from alanine 359.
Molecular consequence: frameshift variant. On other transcripts: non-coding transcript variant (3).
Genome position (GRCh38, 1-based): chr10:86,919,378, G duplicated. VCF-style (leftmost placement, unchanged base first): chr10-86919377-T-TG. GRCh37 (hg19) VCF-style: chr10-88679134-T-TG.
Other names: c.991dup, p.Ala331fs (NM_001406585.1, NM_001406586.1, NM_001406587.1 and 2 more transcripts); c.733dup, p.Ala245fs (NM_001406589.1); c.1150dup, p.Ala384fs (NM_001406559.1); c.1123dup, p.Ala375fs (NM_001406560.1); c.1075dup, p.Ala359fs (NM_001406561.1, NM_001406562.1, NM_001406563.1 and 19 more transcripts); c.1069dup, p.Ala357fs (NM_001406583.1); short protein forms A359fs, A375fs, A384fs, A245fs, A331fs, A357fs.
Identifiers: ClinVar variation 4729091 (VCV004729091.1).

ClinVar aggregate classification (germline): Pathogenic (1 of 4 stars; one submission).

Conditions:
Juvenile polyposis syndrome (JPS). Identifiers: Orphanet 2929, MedGen C0345893, MONDO:0017380, OMIM 174900.

Submission:

Labcorp Genetics (formerly Invitae), Labcorp
Classification: Pathogenic for Juvenile polyposis syndrome. Last evaluated: 2025-10-13. Review status: criteria provided, single submitter. Criteria: Invitae Variant Classification Sherloc (09022015). Collection method: clinical testing. Allele origin: germline.
Comment: This sequence change creates a premature translational stop signal (p.Ala359Glyfs*22) in the BMPR1A gene. It is expected to result in an absent or disrupted protein product. Loss-of-function variants in BMPR1A are known to be pathogenic (PMID: 11536076, 12417513). This variant is not present in population databases (gnomAD no frequency). This variant has not been reported in the literature in individuals affected with BMPR1A-related conditions. For these reasons, this variant has been classified as Pathogenic.

Literature cited by the submitters: PubMed 11536076; PubMed 12417513.